The following is an entry in ClinVar:

ClinVar aggregate classification (germline): Benign/Likely benign. Review status: criteria provided, multiple submitters, no conflicts (2 of 4 stars). 8 submissions from 8 submitters: Benign (1); Likely benign (4). 3 of the submissions do not count toward it. Last evaluated 2026-04-01.

Conditions:
SNRNP200-related disorder. Also called: SNRNP200-related condition.
Retinitis pigmentosa (RP). Identifiers: Orphanet 791, MedGen C0035334, MeSH D012174, MONDO:0019200, OMIM 268000. Inheritance: Autosomal dominant, autosomal recessive and X linked inheritance.

Allele frequency attached by ClinVar (database versions not stated): gnomAD 0.00009 and 0.00036; TOPMed 0.00017; gnomAD exomes 0.00106; ExAC 0.00110; 1000 Genomes Project 0.00140; 1000 Genomes Project 30x 0.00141.
gnomAD v4.1: 1,060 of 1,614,150 alleles (0.066%); highest among the groups gnomAD compares: South Asian, 0.88%; 13 homozygotes.

Submissions (8):

CeGaT Center for Human Genetics Tuebingen
Classification: Likely benign. Last evaluated: 2026-04-01. Review status: criteria provided, single submitter. Criteria: CeGaT Center For Human Genetics Tuebingen Variant Classification Criteria Version 2. Collection method: clinical testing. Allele origin: germline. Affected: yes. Observed: 2 variant alleles.
Comment: SNRNP200: BP4, BP7

Labcorp Genetics (formerly Invitae), Labcorp
Classification: Benign. Last evaluated: 2026-01-13. Review status: criteria provided, single submitter. Criteria: Invitae Variant Classification Sherloc (09022015). Collection method: clinical testing. Allele origin: germline.

Blueprint Genetics
Classification: Likely benign. Last evaluated: 2024-11-13. Review status: criteria provided, single submitter. Criteria: ACMG Guidelines, 2015. Collection method: clinical testing. Allele origin: germline.

Illumina Laboratory Services, Illumina
Classification: Likely benign for Retinitis pigmentosa. Last evaluated: 2018-01-13. Review status: criteria provided, single submitter. Criteria: ICSL Variant Classification Criteria 13 December 2019. Collection method: clinical testing. Allele origin: germline.
Comment: This variant was observed in the ICSL laboratory as part of a predisposition screen in an ostensibly healthy population. It had not been previously curated by ICSL or reported in the Human Gene Mutation Database (HGMD: prior to June 1st, 2018), and was therefore a candidate for classification through an automated scoring system. Utilizing variant allele frequency, disease prevalence and penetrance estimates, and inheritance mode, an automated score was calculated to assess if this variant is too frequent to cause the disease. Based on the score and internal cut-off values, a variant classified as likely benign is not then subjected to further curation. The score for this variant resulted in a classification of likely benign for this disease.

Breakthrough Genomics
Classification: Likely benign. Review status: criteria provided, single submitter. Criteria: ACMG Guidelines, 2015. Collection method: not provided. Allele origin: germline. Inheritance: Unknown mechanism. Affected: yes.

PreventionGenetics, part of Exact Sciences
Classification: Benign for SNRNP200-related condition. Last evaluated: 2019-07-18. Review status: no assertion criteria provided. Collection method: clinical testing. Allele origin: germline. Not counted in ClinVar's aggregate classification.
Comment: This variant is classified as benign based on ACMG/AMP sequence variant interpretation guidelines (Richards et al. 2015 PMID: 25741868, with internal and published modifications).

Clinical Genetics DNA and cytogenetics Diagnostics Lab, Erasmus MC, Erasmus Medical Center
Classification: Likely benign. Review status: no assertion criteria provided. Collection method: clinical testing. Allele origin: germline. Affected: yes. Study: VKGL Data-share Consensus. Not counted in ClinVar's aggregate classification.

Clinical Genetics, Academic Medical Center
Classification: Likely benign. Review status: no assertion criteria provided. Collection method: clinical testing. Allele origin: germline. Affected: yes. Study: VKGL Data-share Consensus. Not counted in ClinVar's aggregate classification.

NM_014014.5(SNRNP200):c.90G>C (p.Arg30=)

Gene: SNRNP200 (small nuclear ribonucleoprotein U5 subunit 200; minus strand). Cytogenetic location: 2q11.2.
Variant type: single nucleotide variant.
Coding change: c.90G>C on transcript NM_014014.5 (MANE Select); coding-DNA position 90, G replaced by C.
Protein change: p.Arg30=; no amino-acid change (arginine 30 retained).
Molecular consequence: synonymous variant.
Genome position (GRCh38, 1-based): chr2:96,304,824, C>G on the plus strand (G>C on the coding strand, the complement: SNRNP200 is on the minus strand). VCF-style: chr2-96304824-C-G. GRCh37 (hg19) VCF-style: chr2-96970562-C-G.
Identifiers: ClinVar variation 708634 (VCV000708634.27), dbSNP rs374762800, ClinGen allele CA1779262.